The following is an entry in ClinVar:

NM_001190274.2(FBXO11):c.770C>A (p.Pro257His)

Gene: FBXO11 (F-box protein 11; minus strand). Cytogenetic location: 2p16.3.
Variant type: single nucleotide variant.
Coding change: c.770C>A on transcript NM_001190274.2 (MANE Select); coding-DNA position 770, C replaced by A.
Protein change: p.Pro257His; replaces proline 257 with histidine.
Molecular consequence: missense variant.
Genome position (GRCh38, 1-based): chr2:47,834,819, G>T on the plus strand (C>A on the coding strand, the complement: FBXO11 is on the minus strand). VCF-style: chr2-47834819-G-T. GRCh37 (hg19) VCF-style: chr2-48061958-G-T.
Other names: c.518C>A, p.Pro173His (NM_001374325.1, NM_025133.4); short protein forms P173H, P257H.
Identifiers: ClinVar variation 2128413 (VCV002128413.4), dbSNP rs765336522, ClinGen allele CA346812001.
Genomic context (GRCh38, chr2:47,834,819, plus strand): 5'-TAAGTCATAAAAATAAAAATCAAACATACCAACATATTTTCTCTTCCTTTATATCTTGCA[G>T]GGTTACTGTAGAAATGTTCAGCAAATCCTGGCTTTACATGTGCACCTTTATACTAAAATG-3'
Protein context (NP_001177203.1, residues 247-267): PGFAEHFYSN[Pro257His]ARYKGRENML

ClinVar aggregate classification (germline): Uncertain significance (1 of 4 stars; one submission).

Allele frequency attached by ClinVar (database versions not stated): TOPMed below 0.00001.
gnomAD v4.1: 2 of 1,613,390 alleles (0.00012%); highest among the groups gnomAD compares: Non-Finnish European, 0.00017%; no homozygotes.

Submission:

Labcorp Genetics (formerly Invitae), Labcorp
Classification: Uncertain significance. Last evaluated: 2022-04-29. Review status: criteria provided, single submitter. Criteria: Invitae Variant Classification Sherloc (09022015). Collection method: clinical testing. Allele origin: germline.
Comment: This variant is not present in population databases (gnomAD no frequency). This sequence change replaces proline, which is neutral and non-polar, with histidine, which is basic and polar, at codon 257 of the FBXO11 protein (p.Pro257His). This variant has not been reported in the literature in individuals affected with FBXO11-related conditions. In summary, the available evidence is currently insufficient to determine the role of this variant in disease. Therefore, it has been classified as a Variant of Uncertain Significance. Algorithms developed to predict the effect of missense changes on protein structure and function are either unavailable or do not agree on the potential impact of this missense change (SIFT: "Deleterious"; PolyPhen-2: "Benign"; Align-GVGD: "Class C0").